The following is an entry in ClinVar:

NM_032043.3(BRIP1):c.566C>G (p.Ser189Ter)

Gene: BRIP1 (BRCA1 interacting DNA helicase 1; minus strand). Cytogenetic location: 17q23.2.
Variant type: single nucleotide variant.
Coding change: c.566C>G on transcript NM_032043.3 (MANE Select); coding-DNA position 566, C replaced by G.
Protein change: p.Ser189Ter; replaces serine 189 with a stop codon.
Molecular consequence: nonsense.
Genome position (GRCh38, 1-based): chr17:61,847,162, G>C on the plus strand (C>G on the coding strand, the complement: BRIP1 is on the minus strand). VCF-style: chr17-61847162-G-C. GRCh37 (hg19) VCF-style: chr17-59924523-G-C.
Other names: short protein forms S189*.
Identifiers: ClinVar variation 545981 (VCV000545981.7), dbSNP rs1555615763, ClinGen allele CA400483082.
Genomic context (GRCh38, chr17:61,847,162, plus strand): 5'-TTCTGTGGCGAAAAGGAGTTTATCTTTTCCAGTGGAGAGTTGAGTTTTACAGTCTTTCCT[G>C]AATCAACTTTTGCATCCAAATTGTGTACTTCTGTTCCAAAGCAATGACGTTTTCTAATCT-3'

ClinVar aggregate classification (germline): Pathogenic/Likely pathogenic. Review status: criteria provided, multiple submitters, no conflicts (2 of 4 stars). 3 submissions from 3 submitters: Pathogenic (2); Likely pathogenic (1). Last evaluated 2024-03-20.

Conditions:
Fanconi anemia complementation group J. Also called: BRIP1-Related Fanconi Anemia. Identifiers: Orphanet 84, MedGen C1836860, MONDO:0012187, OMIM 609054.
Familial cancer of breast. Also called: BREAST CANCER, FAMILIAL; Hereditary breast cancer; hereditary breast carcinoma. Identifiers: Orphanet 227535, MedGen C0346153, MONDO:0016419, OMIM 114480. Disease mechanism: loss of function.
Hereditary cancer-predisposing syndrome. Also called: Neoplastic Syndromes, Hereditary; Hereditary neoplastic syndrome; Tumor predisposition; Hereditary Cancer Syndrome. Identifiers: Orphanet 140162, MedGen C0027672, MeSH D009386, MONDO:0015356.

Allele frequency attached by ClinVar (database versions not stated): gnomAD exomes below 0.00001.
gnomAD v4.1: 1 of 1,613,486 alleles (0.000062%); highest among the groups gnomAD compares: Non-Finnish European, 0.000085%; no homozygotes.

Submissions (3):

Labcorp Genetics (formerly Invitae), Labcorp
Classification: Pathogenic for Familial cancer of breast; Fanconi anemia complementation group J. Last evaluated: 2024-03-20. Review status: criteria provided, single submitter. Criteria: Invitae Variant Classification Sherloc (09022015). Collection method: clinical testing. Allele origin: germline.
Comment: This sequence change creates a premature translational stop signal (p.Ser189*) in the BRIP1 gene. It is expected to result in an absent or disrupted protein product. Loss-of-function variants in BRIP1 are known to be pathogenic (PMID: 16116423, 17033622, 21964575). This variant is not present in population databases (gnomAD no frequency). This variant has not been reported in the literature in individuals affected with BRIP1-related conditions. ClinVar contains an entry for this variant (Variation ID: 545981). For these reasons, this variant has been classified as Pathogenic.

Ambry Genetics
Classification: Pathogenic for Hereditary cancer-predisposing syndrome. Last evaluated: 2019-12-19. Review status: criteria provided, single submitter. Criteria: Ambry Variant Classification Scheme 2023. Collection method: clinical testing. Allele origin: germline.
Comment: The p.S189* pathogenic mutation (also known as c.566C>G), located in coding exon 5 of the BRIP1 gene, results from a C to G substitution at nucleotide position 566. This changes the amino acid from a serine to a stop codon within coding exon 5. This alteration is expected to result in loss of function by premature protein truncation or nonsense-mediated mRNA decay. As such, this alteration is interpreted as a disease-causing mutation.

GeneDx
Classification: Likely pathogenic. Last evaluated: 2016-05-10. Review status: criteria provided, single submitter. Criteria: GeneDx Variant Classification (06012015). Collection method: clinical testing. Allele origin: germline. Affected: yes.
Comment: This variant is denoted BRIP1 c.566C>G at the cDNA level and p.Ser189Ter (S189X) at the protein level. The substitution creates a nonsense variant, which changes a Serine to a premature stop codon (TCA>TGA), and is predicted to cause loss of normal protein function through either protein truncation or nonsense-mediated mRNA decay. Although this variant has not, to our knowledge, been reported in the literature, it is considered likely pathogenic.

Literature cited by the submitters: PubMed 16116423 (cited by Labcorp Genetics (formerly Invitae), Labcorp); PubMed 17033622 (cited by Labcorp Genetics (formerly Invitae), Labcorp); PubMed 21964575 (cited by Labcorp Genetics (formerly Invitae), Labcorp).